The following is an entry in ClinVar:

NM_015425.6(POLR1A):c.4370G>C (p.Arg1457Pro)

Gene: POLR1A (RNA polymerase I subunit A; minus strand). Cytogenetic location: 2p11.2.
Variant type: single nucleotide variant.
Coding change: c.4370G>C on transcript NM_015425.6 (MANE Select); coding-DNA position 4370, G replaced by C.
Protein change: p.Arg1457Pro; replaces arginine 1457 with proline.
Molecular consequence: missense variant.
Genome position (GRCh38, 1-based): chr2:86,031,538, C>G on the plus strand (G>C on the coding strand, the complement: POLR1A is on the minus strand). VCF-style: chr2-86031538-C-G. GRCh37 (hg19) VCF-style: chr2-86258661-C-G.
Other names: short protein forms R1457P.
Identifiers: ClinVar variation 2006246 (VCV002006246.4), dbSNP rs200735610, ClinGen allele CA347546829.
Genomic context (GRCh38, chr2:86,031,538, plus strand): 5'-GGAAGGGACGGGTCCTCCTCAGTGCCTAAGCCCACCTCTTCATCTTGCTCTTGGGTCTTT[C>G]GAGCACCTTCCCTGTGGGGATTTCGTTCCTCCTGCATGTCTTCATCGTCGTTCTCCTCGC-3'
Protein context (NP_056240.2, residues 1447-1467): EERNPHREGA[Arg1457Pro]KTQEQDEEVG

ClinVar aggregate classification (germline): Uncertain significance (1 of 4 stars; one submission).

Submission:

Labcorp Genetics (formerly Invitae), Labcorp
Classification: Uncertain significance. Last evaluated: 2022-07-06. Review status: criteria provided, single submitter. Criteria: Invitae Variant Classification Sherloc (09022015). Collection method: clinical testing. Allele origin: germline.
Comment: In summary, the available evidence is currently insufficient to determine the role of this variant in disease. Therefore, it has been classified as a Variant of Uncertain Significance. This sequence change replaces arginine, which is basic and polar, with proline, which is neutral and non-polar, at codon 1457 of the POLR1A protein (p.Arg1457Pro). This variant is not present in population databases (gnomAD no frequency). This variant has not been reported in the literature in individuals affected with POLR1A-related conditions. Algorithms developed to predict the effect of missense changes on protein structure and function output the following: SIFT: "Not Available"; PolyPhen-2: "Benign"; Align-GVGD: "Not Available". The proline amino acid residue is found in multiple mammalian species, which suggests that this missense change does not adversely affect protein function.